The following is an entry in ClinVar:

ClinVar aggregate classification (germline): Uncertain significance (1 of 4 stars; one submission).

Conditions:
Combined immunodeficiency due to DOCK8 deficiency (HIES2). Also called: Hyper-IgE recurrent infection syndrome, autosomal recessive; HIES autosomal recessive; DOCK8 Deficiency; HYPER-IgE RECURRENT INFECTION SYNDROME 2, AUTOSOMAL RECESSIVE; HYPER-IgE SYNDROME 2, AUTOSOMAL RECESSIVE, WITH RECURRENT INFECTIONS. Identifiers: Orphanet 217390, MedGen C4722305, MONDO:0009478, OMIM 243700.

Allele frequency attached by ClinVar (database versions not stated): gnomAD exomes 0.00001; gnomAD 0.00002; TOPMed 0.00002.
gnomAD v4.1: 10 of 1,600,894 alleles (0.00062%); highest among the groups gnomAD compares: African/African-American, 0.011%; no homozygotes.

Submission:

Labcorp Genetics (formerly Invitae), Labcorp
Classification: Uncertain significance for Combined immunodeficiency due to DOCK8 deficiency. Last evaluated: 2021-09-01. Review status: criteria provided, single submitter. Criteria: Invitae Variant Classification Sherloc (09022015). Collection method: clinical testing. Allele origin: germline.
Comment: This sequence change replaces alanine with threonine at codon 2 of the DOCK8 protein (p.Ala2Thr). The alanine residue is weakly conserved and there is a small physicochemical difference between alanine and threonine. This variant is not present in population databases (ExAC no frequency). This variant has not been reported in the literature in individuals affected with DOCK8-related conditions. Algorithms developed to predict the effect of missense changes on protein structure and function are either unavailable or do not agree on the potential impact of this missense change (SIFT: "Deleterious"; PolyPhen-2: "Probably Damaging"; Align-GVGD: "Class C0"). In summary, the available evidence is currently insufficient to determine the role of this variant in disease. Therefore, it has been classified as a Variant of Uncertain Significance.

NM_203447.4(DOCK8):c.4G>A (p.Ala2Thr)

Genes: DOCK8 (dedicator of cytokinesis 8; plus strand), DOCK8-AS1 (DOCK8 antisense RNA 1; minus strand), LOC130001437 (ATAC-STARR-seq lymphoblastoid silent region 19722; plus strand). Cytogenetic location: 9p24.3.
Variant type: single nucleotide variant.
Coding change: c.4G>A on transcript NM_203447.4 (MANE Select); coding-DNA position 4, G replaced by A.
Protein change: p.Ala2Thr; replaces alanine 2 with threonine.
Molecular consequence: missense variant. On other transcripts: non-coding transcript variant (1).
Genome position (GRCh38, 1-based): chr9:214,980, G>A. VCF-style: chr9-214980-G-A. GRCh37 (hg19) VCF-style: chr9-214980-G-A.
Other names: short protein forms A2T.
Identifiers: ClinVar variation 1038580 (VCV001038580.6), dbSNP rs995474571, ClinGen allele CA187758527.